The following is an entry in ClinVar:

ClinVar aggregate classification (germline): Likely pathogenic (1 of 4 stars; one submission).

Submission:

Mayo Clinic Laboratories, Mayo Clinic
Classification: Likely pathogenic. Last evaluated: 2023-11-15. Review status: criteria provided, single submitter. Criteria: ACMG Guidelines, 2015. Collection method: clinical testing. Allele origin: germline. Observed: 1 variant allele.
Comment: PM2, PVS1

Literature cited by the submitters: PubMed 25597510.

NM_001258392.3(CLPB):c.622G>T (p.Glu208Ter)

Gene: CLPB (ClpB family mitochondrial disaggregase; minus strand). Cytogenetic location: 11q13.4.
Variant type: single nucleotide variant.
Coding change: c.622G>T on transcript NM_001258392.3 (MANE Select); coding-DNA position 622, G replaced by T.
Protein change: p.Glu208Ter; replaces glutamic acid 208 with a stop codon.
Molecular consequence: nonsense.
Genome position (GRCh38, 1-based): chr11:72,380,305, C>A on the plus strand (G>T on the coding strand, the complement: CLPB is on the minus strand). VCF-style: chr11-72380305-C-A. GRCh37 (hg19) VCF-style: chr11-72091349-C-A.
Other names: p.Glu208*; c.535G>T, p.Glu179Ter (NM_001258393.3); c.487G>T, p.Glu163Ter (NM_001258394.3); c.622G>T, p.Glu208Ter (NM_030813.6); short protein forms E163*, E179*, E208*.
Identifiers: ClinVar variation 3381070 (VCV003381070.1).
Genomic context (GRCh38, chr11:72,380,305, plus strand): 5'-GAGAGCTCTCAGAGAAGCAGGACAGCCCACACTTACCTTCCAAAGAATGGATTCCCTGTT[C>A]CTTGGCAGTCTTGTAAACACTGCTGAAATCATCTCCAAGGTTTGGATCAGCCCCAGCAGC-3'